The following is an entry in ClinVar:

ClinVar aggregate classification (germline): Pathogenic (1 of 4 stars; one submission).

Conditions:
Neurofibromatosis, type 1 (NF1). Also called: VON RECKLINGHAUSEN DISEASE; Neurofibromatosis, type I; NEUROFIBROMATOSIS, TYPE I, SOMATIC; Peripheral type neurofibromatosis. Identifiers: Orphanet 636, MedGen C0027831, MONDO:0018975, OMIM 162200. Disease mechanism: loss of function.

Submission:

Labcorp Genetics (formerly Invitae), Labcorp
Classification: Pathogenic for Neurofibromatosis, type 1. Last evaluated: 2023-10-07. Review status: criteria provided, single submitter. Criteria: Invitae Variant Classification Sherloc (09022015). Collection method: clinical testing. Allele origin: germline.
Comment: This sequence change creates a premature translational stop signal (p.Ile719Serfs*29) in the NF1 gene. It is expected to result in an absent or disrupted protein product. Loss-of-function variants in NF1 are known to be pathogenic (PMID: 10712197, 23913538). This variant is not present in population databases (gnomAD no frequency). This variant has not been reported in the literature in individuals affected with NF1-related conditions. For these reasons, this variant has been classified as Pathogenic.

Literature cited by the submitters: PubMed 10712197; PubMed 23913538.

NM_001042492.3(NF1):c.2155del (p.Ile719fs)

Gene: NF1 (neurofibromin 1; plus strand). Cytogenetic location: 17q11.2.
Variant type: Deletion.
Coding change: c.2155del on transcript NM_001042492.3 (MANE Select); coding-DNA position 2155, one base deleted (A; older notation c.2155delA).
Protein change: p.Ile719fs; shifts the reading frame from isoleucine 719.
Molecular consequence: frameshift variant.
Genome position (GRCh38, 1-based): chr17:31,226,588, A deleted. VCF-style (leftmost placement, unchanged base first): chr17-31226587-TA-T. GRCh37 (hg19) VCF-style: chr17-29553605-TA-T.
Other names: c.2155delA, p.Ile719Serfs (NM_000267.4); short protein forms I719fs.
Identifiers: ClinVar variation 2766622 (VCV002766622.3), dbSNP rs2508157137, ClinGen allele CA2697559713.